The following is an entry in ClinVar:

ClinVar aggregate classification (germline): Uncertain significance (1 of 4 stars; one submission).

Conditions:
Cardiovascular phenotype. Identifiers: MedGen CN230736.

gnomAD v4.1: 2 of 1,613,906 alleles (0.00012%); highest among the groups gnomAD compares: Non-Finnish European, 0.00017%; no homozygotes.

Submission:

Ambry Genetics
Classification: Uncertain significance for Cardiovascular phenotype. Last evaluated: 2025-07-30. Review status: criteria provided, single submitter. Criteria: Ambry Variant Classification Scheme 2023. Collection method: clinical testing. Allele origin: germline.
Comment: The p.P245A variant (also known as c.733C>G), located in coding exon 5 of the MYOZ2 gene, results from a C to G substitution at nucleotide position 733. The proline at codon 245 is replaced by alanine, an amino acid with highly similar properties. This amino acid position is conserved. In addition, the in silico prediction for this alteration is inconclusive. Based on the available evidence, the clinical significance of this variant remains unclear.

NM_016599.5(MYOZ2):c.733C>G (p.Pro245Ala)

Gene: MYOZ2 (myozenin 2; plus strand). Cytogenetic location: 4q26.
Variant type: single nucleotide variant.
Coding change: c.733C>G on transcript NM_016599.5 (MANE Select); coding-DNA position 733, C replaced by G.
Protein change: p.Pro245Ala; replaces proline 245 with alanine.
Molecular consequence: missense variant. On other transcripts: 3 prime UTR variant (1).
Genome position (GRCh38, 1-based): chr4:119,186,138, C>G. VCF-style: chr4-119186138-C-G. GRCh37 (hg19) VCF-style: chr4-120107293-C-G.
Other names: c.*146C>G (NM_001440645.1); short protein forms P245A.
Identifiers: ClinVar variation 4116137 (VCV004116137.1).